The following is an entry in ClinVar:

NM_000789.4(ACE):c.1135C>T (p.Arg379Trp)

Gene: ACE (angiotensin I converting enzyme; plus strand). Cytogenetic location: 17q23.3.
Variant type: single nucleotide variant.
Coding change: c.1135C>T on transcript NM_000789.4 (MANE Select); coding-DNA position 1135, C replaced by T.
Protein change: p.Arg379Trp; replaces arginine 379 with tryptophan.
Molecular consequence: missense variant.
Genome position (GRCh38, 1-based): chr17:63,482,482, C>T. VCF-style: chr17-63482482-C-T. GRCh37 (hg19) VCF-style: chr17-61559843-C-T.
Other names: short protein forms R379W.
Identifiers: ClinVar variation 892246 (VCV000892246.19), dbSNP rs750724647, ClinGen allele CA8699422.
Genomic context (GRCh38, chr17:63,482,482, plus strand): 5'-TCTGTCCATCCGTCACTCTCACCCTCGCCCTCTCTACGCCCCAGGATCAAGCAGTGCACA[C>T]GGGTCACGATGGACCAGCTCTCCACAGTGCACCATGAGATGGGCCATATACAGTACTACC-3'
Protein context (NP_000780.1, residues 369-389): RKDFRIKQCT[Arg379Trp]VTMDQLSTVH

ClinVar aggregate classification (germline): Uncertain significance. Review status: criteria provided, multiple submitters, no conflicts (2 of 4 stars). 3 submissions from 3 submitters: Uncertain significance (3). Last evaluated 2022-03-25.

Conditions:
Microvascular complications of diabetes, susceptibility to, 3. Identifiers: MedGen C2675470, MONDO:0012963, OMIM 612624.
Hemorrhage, intracerebral, susceptibility to (ICH). Also called: Stroke, hemorrhagic, susceptibility to. Identifiers: MedGen C3281105, MONDO:0100533, OMIM 614519.
Renal tubular dysgenesis of genetic origin. Also called: PRIMITIVE RENAL TUBULE SYNDROME. Identifiers: Orphanet 97369, MedGen C5681536, MONDO:0009970, OMIM 267430.
Renal tubular dysgenesis. Also called: Renotubular dysgenesis. Identifiers: Orphanet 3033, MedGen C0266313, MONDO:0017609, HP:0008660.

Allele frequency attached by ClinVar (database versions not stated): TOPMed 0.00003; gnomAD exomes 0.00004; ExAC 0.00005; gnomAD 0.00006.

Submissions (3):

Fulgent Genetics
Classification: Uncertain significance for Renal tubular dysgenesis of genetic origin; Microvascular complications of diabetes, susceptibility to, 3; Hemorrhage, intracerebral, susceptibility to. Last evaluated: 2022-03-25. Review status: criteria provided, single submitter. Criteria: ACMG Guidelines, 2015. Collection method: clinical testing. Allele origin: unknown.

Labcorp Genetics (formerly Invitae), Labcorp
Classification: Uncertain significance. Last evaluated: 2021-12-28. Review status: criteria provided, single submitter. Criteria: Invitae Variant Classification Sherloc (09022015). Collection method: clinical testing. Allele origin: germline.
Comment: In summary, the available evidence is currently insufficient to determine the role of this variant in disease. Therefore, it has been classified as a Variant of Uncertain Significance. Algorithms developed to predict the effect of missense changes on protein structure and function are either unavailable or do not agree on the potential impact of this missense change (SIFT: "Deleterious"; PolyPhen-2: "Possibly Damaging"; Align-GVGD: "Class C15"). ClinVar contains an entry for this variant (Variation ID: 892246). This variant has not been reported in the literature in individuals affected with ACE-related conditions. This variant is present in population databases (rs750724647, gnomAD 0.06%). This sequence change replaces arginine, which is basic and polar, with tryptophan, which is neutral and slightly polar, at codon 379 of the ACE protein (p.Arg379Trp).

Illumina Laboratory Services, Illumina
Classification: Uncertain significance for Renal tubular dysgenesis of genetic origin. Last evaluated: 2018-01-13. Review status: criteria provided, single submitter. Criteria: ICSL Variant Classification Criteria 13 December 2019. Collection method: clinical testing. Allele origin: germline.